The following is an entry in ClinVar:

ClinVar aggregate classification (germline): Pathogenic (1 of 4 stars; one submission).

Conditions:
Intellectual developmental disorder, autosomal recessive 75, with neuropsychiatric features and variant lissencephaly (MRT75). Identifiers: MedGen C5676961, MONDO:0030785, OMIM 619827.

Submission:

Women's Health and Genetics/Laboratory Corporation of America, LabCorp
Classification: Pathogenic for Intellectual developmental disorder, autosomal recessive 75, with neuropsychiatric features and variant lissencephaly. Last evaluated: 2024-08-23. Review status: criteria provided, single submitter. Criteria: LabCorp Variant Classification Summary - May 2015. Collection method: clinical testing. Allele origin: germline.
Comment: Variant summary: PIDD1 c.1819delG (p.Ala607ProfsX10) results in a premature termination codon, predicted to cause a truncation of the encoded protein or absence of the protein due to nonsense mediated decay, which are commonly known mechanisms for disease. The frequency data for this variant in gnomAD is considered unreliable, as metrics indicate poor data quality at this position. To our knowledge, no occurrence of c.1819delG in individuals affected with Intellectual Developmental Disorder, Autosomal Recessive 75, With Neuropsychiatric Features And Variant Lissencephaly and no experimental evidence demonstrating its impact on protein function have been reported. No submitters have cited clinical-significance assessments for this variant to ClinVar. Based on the evidence outlined above, the variant was classified as pathogenic.

NM_145886.4(PIDD1):c.1819del (p.Ala607fs)

Gene: PIDD1 (p53-induced death domain protein 1; minus strand). Cytogenetic location: 11p15.5.
Variant type: Deletion.
Coding change: c.1819del on transcript NM_145886.4 (MANE Select); coding-DNA position 1819, one base deleted (G; older notation c.1819delG).
Protein change: p.Ala607fs; shifts the reading frame from alanine 607.
Molecular consequence: frameshift variant.
Genome position (GRCh38, 1-based): chr11:800,860, C deleted on the plus strand (G on the coding strand, the reverse complement: PIDD1 is on the minus strand); the first of 2 consecutive C bases (chr11:800,860-800,861); deleting either gives the same sequence. VCF-style (leftmost placement, unchanged base first): chr11-800859-GC-G. GRCh37 (hg19) VCF-style: chr11-800859-GC-G.
Other names: c.1819del, p.Ala607fs (NM_145887.4); c.1819delG (NM_145886.4); short protein forms A607fs.
Identifiers: ClinVar variation 3366637 (VCV003366637.1).